The following is an entry in ClinVar:

NM_001349798.2(FBXW7):c.1433C>T (p.Ser478Phe)

Gene: FBXW7 (F-box and WD repeat domain containing 7; minus strand). Cytogenetic location: 4q31.3.
Variant type: single nucleotide variant.
Coding change: c.1433C>T on transcript NM_001349798.2 (MANE Select); coding-DNA position 1433, C replaced by T.
Protein change: p.Ser478Phe; replaces serine 478 with phenylalanine.
Molecular consequence: missense variant.
Genome position (GRCh38, 1-based): chr4:152,326,217, G>A on the plus strand (C>T on the coding strand, the complement: FBXW7 is on the minus strand). VCF-style: chr4-152326217-G-A. GRCh37 (hg19) VCF-style: chr4-153247369-G-A.
Other names: c.1079C>T, p.Ser360Phe (NM_001013415.2); c.1193C>T, p.Ser398Phe (NM_018315.5); c.1433C>T, p.Ser478Phe (NM_033632.3); short protein forms S360F, S398F, S478F.
Identifiers: ClinVar variation 3093874 (VCV003093874.1), dbSNP rs2126497487, ClinGen allele CA358618340.
Genomic context (GRCh38, chr4:152,326,217, plus strand): 5'-ATCAAAACATGTAAACACTGGCCTGTCTCAATATCCCAAACCCTAAGAGTGGCATCTCGA[G>A]AACCGCTAACAACTCTGCAGAGGGAGAAACAGAAAAACAAAACAAAACAAAAAAACCCAC-3'
Protein context (NP_001336727.1, residues 468-488): HLHEKRVVSG[Ser478Phe]RDATLRVWDI

ClinVar aggregate classification (germline): Likely pathogenic (1 of 4 stars; one submission).

Conditions:
Inborn genetic diseases. Identifiers: MedGen C0950123, MeSH D030342.

Submission:

Ambry Genetics
Classification: Likely pathogenic for Inborn genetic diseases. Last evaluated: 2023-09-21. Review status: criteria provided, single submitter. Criteria: Ambry Variant Classification Scheme 2023. Collection method: clinical testing. Allele origin: germline.
Comment: The c.1433C>T (p.S478F) alteration is located in exon 10 (coding exon 9) of the FBXW7 gene. This alteration results from a C to T substitution at nucleotide position 1433, causing the serine (S) at amino acid position 478 to be replaced by a phenylalanine (F). This variant was not reported in population-based cohorts in the Genome Aggregation Database (gnomAD). This amino acid position is highly conserved in available vertebrate species. This missense alteration is located in a region that has a low rate of benign missense variation (Lek, 2016; Firth, 2009). This alteration is predicted to be deleterious by in silico analysis. Based on the available evidence, this alteration is classified as likely pathogenic.